The following is an entry in ClinVar:

ClinVar aggregate classification (germline): Uncertain significance (1 of 4 stars; one submission).

Submission:

Labcorp Genetics (formerly Invitae), Labcorp
Classification: Uncertain significance. Last evaluated: 2025-11-27. Review status: criteria provided, single submitter. Criteria: Invitae Variant Classification Sherloc (09022015). Collection method: clinical testing. Allele origin: germline.
Comment: This sequence change replaces glycine, which is neutral and non-polar, with arginine, which is basic and polar, at codon 360 of the ATIC protein (p.Gly360Arg). This variant is not present in population databases (gnomAD no frequency). This variant has not been reported in the literature in individuals affected with ATIC-related conditions. Invitae Evidence Modeling of protein sequence and biophysical properties (such as structural, functional, and spatial information, amino acid conservation, physicochemical variation, residue mobility, and thermodynamic stability) has been performed for this missense variant. However, the output from this modeling did not meet the statistical confidence thresholds required to predict the impact of this variant on ATIC protein function. In summary, the available evidence is currently insufficient to determine the role of this variant in disease. Therefore, it has been classified as a Variant of Uncertain Significance.

NM_004044.7(ATIC):c.1078G>A (p.Gly360Arg)

Gene: ATIC (5-aminoimidazole-4-carboxamide ribonucleotide formyltransferase/IMP cyclohydrolase; plus strand). Cytogenetic location: 2q35.
Variant type: single nucleotide variant.
Coding change: c.1078G>A on transcript NM_004044.7 (MANE Select); coding-DNA position 1078, G replaced by A.
Protein change: p.Gly360Arg; replaces glycine 360 with arginine.
Molecular consequence: missense variant.
Genome position (GRCh38, 1-based): chr2:215,336,104, G>A. VCF-style: chr2-215336104-G-A. GRCh37 (hg19) VCF-style: chr2-216200827-G-A.
Other names: short protein forms G360R.
Identifiers: ClinVar variation 4746441 (VCV004746441.1).
Genomic context (GRCh38, chr2:215,336,104, plus strand): 5'-GGTATAATTGCCCCAGGATATGAAGAAGAAGCCTTGACAATACTTTCCAAAAAGAAAAAT[G>A]GAAACTATTGTGTCCTTCAGGTGAGTGCAATTCATGTTTGAAGCGGTAATTTGCTCTTTT-3'
Protein context (NP_004035.2, residues 350-370): ALTILSKKKN[Gly360Arg]NYCVLQMDQS